The following is an entry in ClinVar:

ClinVar aggregate classification (germline): Conflicting classifications of pathogenicity. Review status: criteria provided, conflicting classifications (1 of 4 stars). 3 submissions from 3 submitters: Uncertain significance (1); Likely benign (1). 1 of the submissions does not count toward it. Last evaluated 2026-01-06.

Conditions:
NEBL-related disorder. Also called: NEBL-related condition.
Primary dilated cardiomyopathy (DCM). Also called: Dilated Cardiomyopathy. Identifiers: Orphanet 217604, MedGen C0007193, MeSH D002311, MONDO:0005021, HP:0001644. Inheritance: Various modes of inheritance.

Allele frequency attached by ClinVar (database versions not stated): gnomAD 0.00006 and 0.00008; gnomAD exomes 0.00007 and 0.00026; TOPMed 0.00009; ExAC 0.00023; 1000 Genomes Project 0.00060; 1000 Genomes Project 30x 0.00062.

Submissions (3):

Labcorp Genetics (formerly Invitae), Labcorp
Classification: Likely benign for Primary dilated cardiomyopathy. Last evaluated: 2026-01-06. Review status: criteria provided, single submitter. Criteria: Invitae Variant Classification Sherloc (09022015). Collection method: clinical testing. Allele origin: germline.

Ambry Genetics
Classification: Uncertain significance. Last evaluated: 2024-10-08. Review status: criteria provided, single submitter. Criteria: Ambry Variant Classification Scheme 2023. Collection method: clinical testing. Allele origin: germline.
Comment: The p.E123K variant (also known as c.367G>A), located in coding exon 4 of the NEBL gene, results from a G to A substitution at nucleotide position 367. The glutamic acid at codon 123 is replaced by lysine, an amino acid with similar properties. This amino acid position is conserved. In addition, this alteration is predicted to be tolerated by in silico analysis. Since supporting evidence is limited at this time, the clinical significance of this alteration remains unclear.

PreventionGenetics, part of Exact Sciences
Classification: Likely benign for NEBL-related condition. Last evaluated: 2024-07-10. Review status: no assertion criteria provided. Collection method: clinical testing. Allele origin: germline. Not counted in ClinVar's aggregate classification.
Comment: This variant is classified as likely benign based on ACMG/AMP sequence variant interpretation guidelines (Richards et al. 2015 PMID: 25741868, with internal and published modifications).

NM_006393.3(NEBL):c.367G>A (p.Glu123Lys)

Gene: NEBL (nebulette; minus strand). Cytogenetic location: 10p12.31.
Variant type: single nucleotide variant.
Coding change: c.367G>A on transcript NM_006393.3 (MANE Select); coding-DNA position 367, G replaced by A.
Protein change: p.Glu123Lys; replaces glutamic acid 123 with lysine.
Molecular consequence: missense variant. On other transcripts: intron variant (9).
Genome position (GRCh38, 1-based): chr10:20,888,099, C>T on the plus strand (G>A on the coding strand, the complement: NEBL is on the minus strand). VCF-style: chr10-20888099-C-T. GRCh37 (hg19) VCF-style: chr10-21177028-C-T.
Other names: c.249+73573G>A (NM_001377326.1, NM_001377327.1, NM_001377328.1); c.357+73573G>A (NM_213569.2, NM_001173484.2, NM_001377322.1); c.300+73573G>A (NM_001377324.1); c.291+73573G>A (NM_001377325.1); c.309+73573G>A (NM_001377323.1); short protein forms E123K.
Identifiers: ClinVar variation 417189 (VCV000417189.13), dbSNP rs189440246, ClinGen allele CA5433280.